The following is an entry in ClinVar:

ClinVar aggregate classification (germline): Uncertain significance (1 of 4 stars; one submission).

Submission:

Labcorp Genetics (formerly Invitae), Labcorp
Classification: Uncertain significance. Last evaluated: 2025-05-19. Review status: criteria provided, single submitter. Criteria: Invitae Variant Classification Sherloc (09022015). Collection method: clinical testing. Allele origin: germline.
Comment: This sequence change replaces proline, which is neutral and non-polar, with leucine, which is neutral and non-polar, at codon 533 of the FCHO1 protein (p.Pro533Leu). This variant is not present in population databases (gnomAD no frequency). This variant has not been reported in the literature in individuals affected with FCHO1-related conditions. An algorithm developed to predict the effect of missense changes on protein structure and function (PolyPhen-2) suggests that this variant is likely to be tolerated. In summary, the available evidence is currently insufficient to determine the role of this variant in disease. Therefore, it has been classified as a Variant of Uncertain Significance.

NM_015122.3(FCHO1):c.1598C>T (p.Pro533Leu)

Gene: FCHO1 (FCH and mu domain containing endocytic adaptor 1; plus strand). Cytogenetic location: 19p13.11.
Variant type: single nucleotide variant.
Coding change: c.1598C>T on transcript NM_015122.3 (MANE Select); coding-DNA position 1598, C replaced by T.
Protein change: p.Pro533Leu; replaces proline 533 with leucine.
Molecular consequence: missense variant. On other transcripts: non-coding transcript variant (14), intron variant (11).
Genome position (GRCh38, 1-based): chr19:17,778,855, C>T. VCF-style: chr19-17778855-C-T. GRCh37 (hg19) VCF-style: chr19-17889664-C-T.
Other names: c.1598C>T, p.Pro533Leu (NM_001161357.2, NM_001161358.2, NM_001384370.1 and 13 more transcripts); c.1448C>T, p.Pro483Leu (NM_001161359.2, NM_001384384.1, NM_001384385.1 and 1 more transcripts); c.1559C>T, p.Pro520Leu (NM_001384388.1, NM_001384389.1, NM_001384405.1); c.1523C>T, p.Pro508Leu (NM_001384390.1); c.1481C>T, p.Pro494Leu (NM_001384392.1, NM_001384393.1, NM_001384394.1 and 1 more transcripts); c.1351+627C>T (NM_001384396.1, NM_001384404.1, NM_001384398.1 and 5 more transcripts); c.1201+627C>T (NM_001384406.1); c.1058-2376C>T (NM_001384407.1); and 1 more; short protein forms P483L, P494L, P508L, P520L, P533L.
Identifiers: ClinVar variation 4719533 (VCV004719533.1).